The following is an entry in ClinVar:

ClinVar aggregate classification (germline): Likely benign. Review status: no assertion criteria provided (0 of 4 stars). 2 submissions from 2 submitters: Likely benign (1). 1 of the submissions does not count toward it. Last evaluated 2023-02-27.

Conditions:
IL2RA-related disorder. Also called: IL2RA-related condition.
Type 1 diabetes mellitus 10 (T1D10). Identifiers: MedGen C1866040, MONDO:0011168, OMIM 601942.

Allele frequency attached by ClinVar (database versions not stated): 1000 Genomes Project 30x 0.14569; 1000 Genomes Project 0.14657; gnomAD 0.18103 and 0.18159; TOPMed 0.18222.

Submissions (2):

OMIM
No classification provided. Condition: TYPE 1 DIABETES MELLITUS 10. Last evaluated: 2025-04-17. Review status: no classification provided. Collection method: literature only. Allele origin: germline. Not counted in ClinVar's aggregate classification.

PreventionGenetics, part of Exact Sciences
Classification: Likely benign for IL2RA-related condition. Last evaluated: 2023-02-27. Review status: no assertion criteria provided. Collection method: clinical testing. Allele origin: germline.
Comment: This variant is classified as likely benign based on ACMG/AMP sequence variant interpretation guidelines (Richards et al. 2015 PMID: 25741868, with internal and published modifications).

Literature cited by the submitters: PubMed 17676041 (cited by OMIM).

NC_000010.11:g.6080046T>A

Gene: IL2RA (interleukin 2 receptor subunit alpha; minus strand). Cytogenetic location: 10p15.1.
Variant type: single nucleotide variant.
Genome position: GRCh38 VCF-style: chr10-6080046-T-A. GRCh37 (hg19) VCF-style: chr10-6122009-T-A.
Other names: T-A (rs11594656).
Identifiers: ClinVar variation 14670 (VCV000014670.6), dbSNP rs11594656, ClinGen allele CA124195.